The following is an entry in ClinVar:

ClinVar aggregate classification (germline): Uncertain significance (1 of 4 stars; one submission).

Conditions:
Hereditary cancer-predisposing syndrome. Also called: Tumor predisposition; Hereditary neoplastic syndrome; Neoplastic Syndromes, Hereditary; Hereditary Cancer Syndrome. Identifiers: Orphanet 140162, MedGen C0027672, MeSH D009386, MONDO:0015356.

Submission:

Ambry Genetics
Classification: Uncertain significance for Hereditary cancer-predisposing syndrome. Last evaluated: 2025-04-06. Review status: criteria provided, single submitter. Criteria: Ambry Variant Classification Scheme 2023. Collection method: clinical testing. Allele origin: germline.
Comment: The p.K699Q variant (also known as c.2095A>C), located in coding exon 13 of the BRIP1 gene, results from an A to C substitution at nucleotide position 2095. The lysine at codon 699 is replaced by glutamine, an amino acid with similar properties. This amino acid position is conserved. In addition, the in silico prediction for this alteration is inconclusive. Based on the available evidence, the clinical significance of this variant remains unclear.

NM_032043.3(BRIP1):c.2095A>C (p.Lys699Gln)

Gene: BRIP1 (BRCA1 interacting DNA helicase 1; minus strand). Cytogenetic location: 17q23.2.
Variant type: single nucleotide variant.
Coding change: c.2095A>C on transcript NM_032043.3 (MANE Select); coding-DNA position 2095, A replaced by C.
Protein change: p.Lys699Gln; replaces lysine 699 with glutamine.
Molecular consequence: missense variant.
Genome position (GRCh38, 1-based): chr17:61,776,403, T>G on the plus strand (A>C on the coding strand, the complement: BRIP1 is on the minus strand). VCF-style: chr17-61776403-T-G. GRCh37 (hg19) VCF-style: chr17-59853764-T-G.
Other names: short protein forms K699Q.
Identifiers: ClinVar variation 3993137 (VCV003993137.1).